The following is an entry in ClinVar:

NM_001113491.2(SEPTIN9):c.272G>A (p.Arg91Gln)

Gene: SEPTIN9 (septin 9; plus strand). Cytogenetic location: 17q25.3.
Variant type: single nucleotide variant.
Coding change: c.272G>A on transcript NM_001113491.2 (MANE Select); coding-DNA position 272, G replaced by A.
Protein change: p.Arg91Gln; replaces arginine 91 with glutamine.
Molecular consequence: missense variant. On other transcripts: 5 prime UTR variant (2).
Genome position (GRCh38, 1-based): chr17:77,402,254, G>A. VCF-style: chr17-77402254-G-A. GRCh37 (hg19) VCF-style: chr17-75398336-G-A.
Other names: c.-221G>A (NM_001113492.2, NM_001113494.1); c.251G>A, p.Arg84Gln (NM_001113493.2); c.215G>A, p.Arg72Gln (NM_001293695.2); c.218G>A, p.Arg73Gln (NM_006640.5); short protein forms R72Q, R73Q, R84Q, R91Q.
Identifiers: ClinVar variation 1682588 (VCV001682588.7), dbSNP rs764983438, ClinGen allele CA8793161.

ClinVar aggregate classification (germline): Uncertain significance (1 of 4 stars; one submission).

Allele frequency attached by ClinVar (database versions not stated): gnomAD 0.00002 and 0.00003; TOPMed 0.00002; gnomAD exomes 0.00003 and 0.00005; ExAC 0.00007.
gnomAD v4.1: 43 of 1,613,066 alleles (0.0027%); highest among the groups gnomAD compares: Middle Eastern, 0.016%; no homozygotes.

Submission:

Labcorp Genetics (formerly Invitae), Labcorp
Classification: Uncertain significance. Last evaluated: 2025-10-09. Review status: criteria provided, single submitter. Criteria: Invitae Variant Classification Sherloc (09022015). Collection method: clinical testing. Allele origin: germline.
Comment: This sequence change replaces arginine, which is basic and polar, with glutamine, which is neutral and polar, at codon 73 of the SEPT9 protein (p.Arg73Gln). This variant is present in population databases (rs764983438, gnomAD 0.009%). This variant has not been reported in the literature in individuals affected with SEPT9-related conditions. ClinVar contains an entry for this variant (Variation ID: 1682588). Invitae Evidence Modeling of protein sequence and biophysical properties (such as structural, functional, and spatial information, amino acid conservation, physicochemical variation, residue mobility, and thermodynamic stability) indicates that this missense variant is not expected to disrupt SEPT9 protein function with a negative predictive value of 80%. In summary, the available evidence is currently insufficient to determine the role of this variant in disease. Therefore, it has been classified as a Variant of Uncertain Significance.